The following is an entry in ClinVar:

NM_032730.5(RTN4IP1):c.1086C>T (p.Ile362=)

Gene: RTN4IP1 (reticulon 4 interacting protein 1; minus strand). Cytogenetic location: 6q21.
Variant type: single nucleotide variant.
Coding change: c.1086C>T on transcript NM_032730.5 (MANE Select); coding-DNA position 1086, C replaced by T.
Protein change: p.Ile362=; no amino-acid change (isoleucine 362 retained).
Molecular consequence: synonymous variant.
Genome position (GRCh38, 1-based): chr6:106,572,101, G>A on the plus strand (C>T on the coding strand, the complement: RTN4IP1 is on the minus strand). VCF-style: chr6-106572101-G-A. GRCh37 (hg19) VCF-style: chr6-107019976-G-A.
Other names: c.786C>T, p.Ile262= (NM_001318746.1).
Identifiers: ClinVar variation 767005 (VCV000767005.35), dbSNP rs200270996, ClinGen allele CA3944274.

ClinVar aggregate classification (germline): Benign/Likely benign. Review status: criteria provided, multiple submitters, no conflicts (2 of 4 stars). 3 submissions from 3 submitters: Benign (1); Likely benign (2). Last evaluated 2026-07-01.

Allele frequency attached by ClinVar (database versions not stated): gnomAD exomes 0.00014 and 0.00028; 1000 Genomes Project 30x 0.00016; TOPMed 0.00017; gnomAD 0.00019; 1000 Genomes Project 0.00020; ExAC 0.00027; ESP Exome Variant Server 0.00046.
gnomAD v4.1: 262 of 1,612,368 alleles (0.016%); highest among the groups gnomAD compares: Middle Eastern, 0.033%; 3 homozygotes.

Submissions (3):

CeGaT Center for Human Genetics Tuebingen
Classification: Likely benign. Last evaluated: 2026-07-01. Review status: criteria provided, single submitter. Criteria: CeGaT Center For Human Genetics Tuebingen Variant Classification Criteria Version 2. Collection method: clinical testing. Allele origin: germline. Affected: yes. Observed: 2 variant alleles.
Comment: RTN4IP1: BP4, BP7

Labcorp Genetics (formerly Invitae), Labcorp
Classification: Benign. Last evaluated: 2025-03-16. Review status: criteria provided, single submitter. Criteria: Invitae Variant Classification Sherloc (09022015). Collection method: clinical testing. Allele origin: germline.

Blueprint Genetics
Classification: Likely benign. Last evaluated: 2023-04-25. Review status: criteria provided, single submitter. Criteria: ACMG Guidelines, 2015. Collection method: clinical testing. Allele origin: germline.